The following is an entry in ClinVar:

NM_001291088.2(WDR87):c.5266G>C (p.Glu1756Gln)

Gene: WDR87 (WD repeat domain 87; minus strand). Cytogenetic location: 19q13.13.
Variant type: single nucleotide variant.
Coding change: c.5266G>C on transcript NM_001291088.2 (MANE Select); coding-DNA position 5266, G replaced by C.
Protein change: p.Glu1756Gln; replaces glutamic acid 1756 with glutamine.
Molecular consequence: missense variant.
Genome position (GRCh38, 1-based): chr19:37,888,405, C>G on the plus strand (G>C on the coding strand, the complement: WDR87 is on the minus strand). VCF-style: chr19-37888405-C-G. GRCh37 (hg19) VCF-style: chr19-38379045-C-G.
Other names: c.5149G>C, p.Glu1717Gln (NM_031951.5); c.5149G>C (NM_031951.3); short protein forms E1756Q, E1717Q.
Identifiers: ClinVar variation 2047327 (VCV002047327.6), dbSNP rs376861693, ClinGen allele CA9408592.
Genomic context (GRCh38, chr19:37,888,405, plus strand): 5'-GATTCAGTTCCTCTTCTTTCCAAGACAGTTCTTCCATGTCCCATTCCAGTTCCTCCAATT[C>G]CTGGGCCAGCTCCTTTTCTTGCCAGTCCAGATTTTGTTCCCTCTGGGGCAGTTCTTCCAC-3'
Protein context (NP_001278017.1, residues 1746-1766): LDWQEKELAQ[Glu1756Gln]LEELEWDMEE

ClinVar aggregate classification (germline): Uncertain significance. Review status: criteria provided, multiple submitters, no conflicts (2 of 4 stars). 2 submissions from 2 submitters: Uncertain significance (2). Last evaluated 2025-01-19.

Allele frequency attached by ClinVar (database versions not stated): TOPMed 0.00030; ExAC 0.00022; gnomAD 0.00031; ESP Exome Variant Server 0.00044; gnomAD exomes 0.00057.

Submissions (2):

Ambry Genetics
Classification: Uncertain significance. Last evaluated: 2025-01-19. Review status: criteria provided, single submitter. Criteria: Ambry Variant Classification Scheme 2023. Collection method: clinical testing. Allele origin: germline.

Labcorp Genetics (formerly Invitae), Labcorp
Classification: Uncertain significance. Last evaluated: 2022-05-10. Review status: criteria provided, single submitter. Criteria: Invitae Variant Classification Sherloc (09022015). Collection method: clinical testing. Allele origin: germline.
Comment: This variant is present in population databases (rs376861693, gnomAD 0.05%), and has an allele count higher than expected for a pathogenic variant. This variant has not been reported in the literature in individuals affected with WDR87-related conditions. Algorithms developed to predict the effect of missense changes on protein structure and function output the following: SIFT: "Deleterious"; PolyPhen-2: "Possibly Damaging"; Align-GVGD: "Class C0". The glutamine amino acid residue is found in multiple mammalian species, which suggests that this missense change does not adversely affect protein function. In summary, the available evidence is currently insufficient to determine the role of this variant in disease. Therefore, it has been classified as a Variant of Uncertain Significance. This sequence change replaces glutamic acid, which is acidic and polar, with glutamine, which is neutral and polar, at codon 1717 of the WDR87 protein (p.Glu1717Gln).